The following is an entry in ClinVar:

ClinVar aggregate classification (germline): Benign. Review status: criteria provided, single submitter (1 of 4 stars). 2 submissions from 2 submitters: Benign (1). 1 of the submissions does not count toward it. Last evaluated 2022-05-04.

Conditions:
Familial cancer of breast. Also called: BREAST CANCER, FAMILIAL; Hereditary breast cancer; hereditary breast carcinoma. Identifiers: Orphanet 227535, MedGen C0346153, MONDO:0016419, OMIM 114480. Disease mechanism: loss of function.

Submissions (2):

Mendelics
Classification: Benign. Last evaluated: 2022-05-04. Review status: criteria provided, single submitter. Criteria: Mendelics Assertion Criteria 2019. Collection method: clinical testing. Allele origin: germline.

Department of Zoology Govt. MVM College
Classification: Likely pathogenic for Familial cancer of breast. Review status: no assertion criteria provided. Collection method: not provided. Allele origin: unknown. Not counted in ClinVar's aggregate classification.
Comment: KM276971
ClinVar note: Converted during submission from probable-pathogenic to Likely pathogenic.

NC_012920.1(MT-CYB):m.14968T>C

Gene: MT-CYB (mitochondrially encoded cytochrome b; plus strand).
Variant type: single nucleotide variant.
Genome position: chrM-14968-T-C.
Identifiers: ClinVar variation 143870 (VCV000143870.4), dbSNP rs527236167, ClinGen allele CA270603.
Genomic context (GRCh38, chrMT:14,968, plus strand): 5'-CTACTCACCAGACGCCTCAACCGCCTTTTCATCAATCGCCCACATCACTCGAGACGTAAA[T>C]TATGGCTGAATCATCCGCTACCTTCACGCCAATGGCGCCTCAATATTCTTTATCTGCCTC-3'